The following is an entry in ClinVar:

Conditions:
Breast-ovarian cancer, familial, susceptibility to, 1 (BROVCA1). Also called: BRCA1 Hereditary Breast and Ovarian Cancer; OVARIAN CANCER, SUSCEPTIBILITY TO. Identifiers: Orphanet 145, MedGen C2676676, MONDO:0011450, OMIM 604370. Disease mechanism: loss of function.

Submission:

Brotman Baty Institute, University of Washington
No classification provided (evidence only). Condition: Breast-ovarian cancer, familial 1. Review status: no classification provided. Collection method: in vitro. Allele origin: not applicable. Functional consequence: functionally_abnormal.
ClinVar note: "not provided" was previously submitted as the classification for the variant. However, the classification appeared to be based only on an observation of functional data so it was converted to no classification on 2025-07-30.

NM_007294.4(BRCA1):c.135-7T>G

Gene: BRCA1 (BRCA1 DNA repair associated; minus strand). Cytogenetic location: 17q21.31.
Variant type: single nucleotide variant.
Coding change: c.135-7T>G on transcript NM_007294.4 (MANE Select); 7 bases into the intron before coding-DNA position 135, T replaced by G.
Molecular consequence: intron variant.
Genome position (GRCh38, 1-based): chr17:43,106,540, A>C on the plus strand (T>G on the coding strand, the complement: BRCA1 is on the minus strand). VCF-style: chr17-43106540-A-C. GRCh37 (hg19) VCF-style: chr17-41258557-A-C.
Other names: c.-7-7T>G (NM_001408458.1, NM_001407931.1, NM_001407747.1 and 99 more transcripts); c.-218-11680T>G (NM_001407967.1, NM_001407966.1); c.-169-1584T>G (NM_001407959.1, NM_001407962.1, NM_001408512.1 and 4 more transcripts); c.-54-7T>G (NM_001407885.1, NM_001407886.1, NM_001407898.1 and 58 more transcripts); c.135-7T>G (NM_001407686.1, NM_001408397.1, NM_001407632.1 and 167 more transcripts); c.81-1584T>G (NM_001408451.1); c.135-1584T>G (NM_001408475.1, NM_001407875.1, NM_001407659.1 and 21 more transcripts).
Identifiers: ClinVar variation 868204 (VCV000868204.3), dbSNP rs1555597333, ClinGen allele CA916080920.